The following is an entry in ClinVar:

NM_002294.3(LAMP2):c.605A>C (p.His202Pro)

Gene: LAMP2 (lysosome associated membrane protein 2; minus strand). Cytogenetic location: Xq24.
Variant type: single nucleotide variant.
Coding change: c.605A>C on transcript NM_002294.3 (MANE Select); coding-DNA position 605, A replaced by C.
Protein change: p.His202Pro; replaces histidine 202 with proline.
Molecular consequence: missense variant.
Genome position (GRCh38, 1-based): chrX:120,447,977, T>G on the plus strand (A>C on the coding strand, the complement: LAMP2 is on the minus strand). VCF-style: chrX-120447977-T-G. GRCh37 (hg19) VCF-style: chrX-119581832-T-G.
Other names: p.H202P:CAC>CCC; c.605A>C, p.His202Pro (NM_001122606.1, NM_013995.2); short protein forms H202P.
Identifiers: ClinVar variation 180864 (VCV000180864.7), dbSNP rs730880475, ClinGen allele CA333617.

ClinVar aggregate classification (germline): Conflicting classifications of pathogenicity. Review status: criteria provided, conflicting classifications (1 of 4 stars). 3 submissions from 3 submitters: Uncertain significance (1); Likely benign (2). Last evaluated 2023-08-29.

Conditions:
Cardiovascular phenotype. Identifiers: MedGen CN230736.
Danon disease. Also called: PSEUDOGLYCOGENOSIS II; GSD IIb; LYSOSOMAL GLYCOGEN STORAGE DISEASE WITHOUT ACID MALTASE DEFICIENCY; Glycogen Storage Disease Type IIb; ANTOPOL DISEASE. Identifiers: Orphanet 34587, MedGen C0878677, MONDO:0010281, OMIM 300257.

Allele frequency attached by ClinVar (database versions not stated): gnomAD 0.00001; gnomAD exomes 0.00001; TOPMed 0.00001.
gnomAD v4.1: 16 of 1,208,107 alleles (0.0013%); highest among the groups gnomAD compares: Non-Finnish European, 0.0016%; no homozygotes.

Submissions (3):

Ambry Genetics
Classification: Likely benign for Cardiovascular phenotype. Last evaluated: 2023-08-29. Review status: criteria provided, single submitter. Criteria: Ambry Variant Classification Scheme 2023. Collection method: clinical testing. Allele origin: germline.

Labcorp Genetics (formerly Invitae), Labcorp
Classification: Uncertain significance for Danon disease. Last evaluated: 2022-04-26. Review status: criteria provided, single submitter. Criteria: Invitae Variant Classification Sherloc (09022015). Collection method: clinical testing. Allele origin: germline.
Comment: This sequence change replaces histidine, which is basic and polar, with proline, which is neutral and non-polar, at codon 202 of the LAMP2 protein (p.His202Pro). In summary, the available evidence is currently insufficient to determine the role of this variant in disease. Therefore, it has been classified as a Variant of Uncertain Significance. Algorithms developed to predict the effect of missense changes on protein structure and function output the following: SIFT: "Tolerated"; PolyPhen-2: "Benign"; Align-GVGD: "Class C0". The proline amino acid residue is found in multiple mammalian species, which suggests that this missense change does not adversely affect protein function. ClinVar contains an entry for this variant (Variation ID: 180864). This variant has not been reported in the literature in individuals affected with LAMP2-related conditions. This variant is not present in population databases (gnomAD no frequency).

GeneDx
Classification: Likely benign. Last evaluated: 2014-01-15. Review status: criteria provided, single submitter. Criteria: GeneDx Variant Classification (06012015). Collection method: clinical testing. Allele origin: germline. Affected: yes.
Comment: This variant is considered likely benign or benign based on one or more of the following criteria: it is a conservative change, it occurs at a poorly conserved position in the protein, it is predicted to be benign by multiple in silico algorithms, and/or has population frequency not consistent with disease.